The following is an entry in ClinVar:

NM_152617.4(RNF168):c.1284A>G (p.Lys428=)

Gene: RNF168 (ring finger protein 168; minus strand). Cytogenetic location: 3q29.
Variant type: single nucleotide variant.
Coding change: c.1284A>G on transcript NM_152617.4 (MANE Select); coding-DNA position 1284, A replaced by G.
Protein change: p.Lys428=; no amino-acid change (lysine 428 retained).
Molecular consequence: synonymous variant.
Genome position (GRCh38, 1-based): chr3:196,472,251, T>C on the plus strand (A>G on the coding strand, the complement: RNF168 is on the minus strand). VCF-style: chr3-196472251-T-C. GRCh37 (hg19) VCF-style: chr3-196199122-T-C.
Identifiers: ClinVar variation 780904 (VCV000780904.20), dbSNP rs78211871, ClinGen allele CA2780685.

ClinVar aggregate classification (germline): Benign/Likely benign. Review status: criteria provided, multiple submitters, no conflicts (2 of 4 stars). 5 submissions from 5 submitters: Benign (3); Likely benign (1). 1 of the submissions does not count toward it. Last evaluated 2026-02-01.

Conditions:
RNF168-related disorder. Also called: RNF168-related condition.
RIDDLE syndrome. Identifiers: Orphanet 420741, MedGen C2677792, MONDO:0012764, OMIM 611943.

Allele frequency attached by ClinVar (database versions not stated): gnomAD 0.00550 and 0.00508; 1000 Genomes Project 30x 0.00562; TOPMed 0.00587; ESP Exome Variant Server 0.00677; gnomAD exomes 0.00051 and 0.00128; ExAC 0.00147; 1000 Genomes Project 0.00519.
gnomAD v4.1: 1,533 of 1,613,732 alleles (0.095%); highest among the groups gnomAD compares: African/African-American, 1.8%; 15 homozygotes.

Submissions (5):

Labcorp Genetics (formerly Invitae), Labcorp
Classification: Benign. Last evaluated: 2026-02-01. Review status: criteria provided, single submitter. Criteria: Invitae Variant Classification Sherloc (09022015). Collection method: clinical testing. Allele origin: germline.

Blueprint Genetics
Classification: Likely benign. Last evaluated: 2024-11-13. Review status: criteria provided, single submitter. Criteria: ACMG Guidelines, 2015. Collection method: clinical testing. Allele origin: germline.

ARUP Laboratories, Molecular Genetics and Genomics, ARUP Laboratories
Classification: Benign for RIDDLE syndrome. Last evaluated: 2020-08-27. Review status: criteria provided, single submitter. Criteria: ARUP Molecular Germline Variant Investigation Process. Collection method: clinical testing. Allele origin: germline.

Breakthrough Genomics
Classification: Benign. Review status: criteria provided, single submitter. Criteria: ACMG Guidelines, 2015. Collection method: not provided. Allele origin: germline. Inheritance: Autosomal recessive inheritance. Affected: yes.

PreventionGenetics, part of Exact Sciences
Classification: Benign for RNF168-related condition. Last evaluated: 2024-06-25. Review status: no assertion criteria provided. Collection method: clinical testing. Allele origin: germline. Not counted in ClinVar's aggregate classification.
Comment: This variant is classified as benign based on ACMG/AMP sequence variant interpretation guidelines (Richards et al. 2015 PMID: 25741868, with internal and published modifications).